The following is an entry in ClinVar:

ClinVar aggregate classification (germline): Benign (1 of 4 stars; one submission).

Conditions:
Tumor predisposition syndrome 2 (TPDS2). Also called: MBD4-ASSOCIATED NEOPLASIA SYNDROME; MBD4-Related Tumor Predisposition Syndrome; MBD4-associated neoplasia syndrome (MANS). Identifiers: Orphanet 661526, MedGen C5774186, MONDO:0859267, OMIM 619975.

Submission:

Myriad Genetics, Inc.
Classification: Benign for Tumor predisposition syndrome 2. Last evaluated: 2026-06-09. Review status: criteria provided, single submitter. Criteria: Myriad Autosomal Dominant, Autosomal Recessive and X-Linked Classification Criteria (2023). Collection method: clinical testing. Allele origin: unknown.
Comment: This variant is considered benign. This variant is a silent/synonymous amino acid change and it is not expected to impact splicing.

NM_001276270.2(MBD4):c.345A>C (p.Gly115=)

Gene: MBD4 (methyl-CpG binding domain 4, DNA glycosylase; minus strand). Cytogenetic location: 3q21.3.
Variant type: single nucleotide variant.
Coding change: c.345A>C on transcript NM_001276270.2 (MANE Select); coding-DNA position 345, A replaced by C.
Protein change: p.Gly115=; no amino-acid change (glycine 115 retained).
Molecular consequence: synonymous variant. On other transcripts: intron variant (1).
Genome position (GRCh38, 1-based): chr3:129,437,299, T>G on the plus strand (A>C on the coding strand, the complement: MBD4 is on the minus strand). VCF-style: chr3-129437299-T-G. GRCh37 (hg19) VCF-style: chr3-129156142-T-G.
Other names: c.345A>C, p.Gly115= (NM_001276271.2, NM_001276272.2, NM_003925.3); c.247+509A>C (NM_001276273.2).
Identifiers: ClinVar variation 4875942 (VCV004875942.1).